The following is an entry in ClinVar:

NM_003590.5(CUL3):c.578T>G (p.Leu193Ter)

Gene: CUL3 (cullin 3; minus strand). Cytogenetic location: 2q36.2.
Variant type: single nucleotide variant.
Coding change: c.578T>G on transcript NM_003590.5 (MANE Select); coding-DNA position 578, T replaced by G.
Protein change: p.Leu193Ter; replaces leucine 193 with a stop codon.
Molecular consequence: nonsense.
Genome position (GRCh38, 1-based): chr2:224,513,600, A>C on the plus strand (T>G on the coding strand, the complement: CUL3 is on the minus strand). VCF-style: chr2-224513600-A-C. GRCh37 (hg19) VCF-style: chr2-225378317-A-C.
Other names: c.380T>G, p.Leu127Ter (NM_001257197.2); c.596T>G, p.Leu199Ter (NM_001257198.2); short protein forms L127*, L193*, L199*.
Identifiers: ClinVar variation 1699112 (VCV001699112.3), dbSNP rs2106220962, ClinGen allele CA350831258.

ClinVar aggregate classification (germline): Pathogenic (1 of 4 stars; one submission).

Conditions:
Complex neurodevelopmental disorder. Identifiers: Orphanet 528084, MedGen C5568766, MONDO:0100038.

Submission:

Victorian Clinical Genetics Services, Murdoch Childrens Research Institute
Classification: Pathogenic for Complex neurodevelopmental disorder. Last evaluated: 2022-02-02. Review status: criteria provided, single submitter. Criteria: ACMG Guidelines, 2015. Collection method: clinical testing. Allele origin: germline. Inheritance: Autosomal dominant inheritance. Affected: yes.
Comment: Based on the classification scheme VCGS_Germline_v1.3.4, this variant is classified as Pathogenic. Following criteria are met: 0102 - Loss of function is a known mechanism of disease in this gene and is associated with neurodevelopmental disorder with or without autism or seizures (MIM#619239), whereas for pseudohypoaldosteronism, type IIE (MIM#614496), loss of function is a likely mechanism of disease. (I) 0107 - This gene is associated with autosomal dominant disease. (I) 0201 - Variant is predicted to cause nonsense-mediated decay (NMD) and loss of protein (premature termination codon is located at least 54 nucleotides upstream of the final exon-exon junction). (SP) 0251 - This variant is heterozygous. (I) 0301 - Variant is absent from gnomAD (both v2 and v3). (SP) 0701 - Other NMD-predicted variants comparable to the one identified in this case have very strong previous evidence for pathogenicity. These variants have been reported as pathogenic, and observed in many individuals with neurodevelopmental disorder, congenital heart disease and/or autism spectrum disorder (DECIPHER, PMID: 32341456). (SP) 0807 - This variant has no previous evidence of pathogenicity. (I) 0905 - No published segregation evidence has been identified for this variant. (I) 1007 - No published functional evidence has been identified for this variant. (SP) Legend: (SP) - Supporting pathogenic, (I) - Information, (SB) - Supporting benign

Literature cited by the submitters: PubMed 32341456.